The following is an entry in ClinVar:

ClinVar aggregate classification (germline): Likely benign (1 of 4 stars; one submission).

gnomAD v4.1: 1 of 1,614,224 alleles (0.000062%); highest among the groups gnomAD compares: African/African-American, 0.0013%; no homozygotes.

Submission:

CeGaT Center for Human Genetics Tuebingen
Classification: Likely benign. Last evaluated: 2022-05-01. Review status: criteria provided, single submitter. Criteria: CeGaT Center For Human Genetics Tuebingen Variant Classification Criteria Version 2. Collection method: clinical testing. Allele origin: germline. Affected: yes. Observed: 1 variant allele.
Comment: COL6A3: PM2:Supporting, BP4, BP7

NM_004369.4(COL6A3):c.5343C>A (p.Ile1781=)

Gene: COL6A3 (collagen type VI alpha 3 chain; minus strand). Cytogenetic location: 2q37.3.
Variant type: single nucleotide variant.
Coding change: c.5343C>A on transcript NM_004369.4 (MANE Select); coding-DNA position 5343, C replaced by A.
Protein change: p.Ile1781=; no amino-acid change (isoleucine 1781 retained).
Molecular consequence: synonymous variant.
Genome position (GRCh38, 1-based): chr2:237,366,844, G>T on the plus strand (C>A on the coding strand, the complement: COL6A3 is on the minus strand). VCF-style: chr2-237366844-G-T. GRCh37 (hg19) VCF-style: chr2-238275487-G-T.
Other names: c.3522C>A, p.Ile1174= (NM_057166.5); c.4725C>A, p.Ile1575= (NM_057167.4).
Identifiers: ClinVar variation 2652045 (VCV002652045.22), dbSNP rs767676914, ClinGen allele CA431710981.